The following is an entry in ClinVar:

ClinVar aggregate classification (germline): Likely pathogenic (1 of 4 stars; one submission).

Conditions:
Inborn genetic diseases. Identifiers: MedGen C0950123, MeSH D030342.

Submission:

Ambry Genetics
Classification: Likely pathogenic for Inborn genetic diseases. Last evaluated: 2025-12-12. Review status: criteria provided, single submitter. Criteria: Ambry Variant Classification Scheme 2023. Collection method: clinical testing. Allele origin: germline.
Comment: The c.763G>T (p.E255*) alteration, located in exon 5 (coding exon 5) of the LHX4 gene, consists of a G to T substitution at nucleotide position 763. This changes the amino acid from a glutamic acid (E) to a stop codon at amino acid position 255. This variant is not expected to trigger nonsense-mediated mRNA decay, and impacts the last 34.9% of the protein. However, premature stop codons are typically deleterious in nature and a significant portion of the protein is affected (Ambry internal data). This variant was not reported in population-based cohorts in the Genome Aggregation Database (gnomAD). Based on the available evidence, this alteration is classified as likely pathogenic.

NM_033343.4(LHX4):c.763G>T (p.Glu255Ter)

Genes: ACBD6 (acyl-CoA binding domain containing 6; minus strand), LHX4 (LIM homeobox 4; plus strand), LHX4-AS1 (LHX4 antisense RNA 1; minus strand). Cytogenetic location: 1q25.2.
Variant type: single nucleotide variant.
Coding change: c.763G>T on transcript NM_033343.4 (MANE Select); coding-DNA position 763, G replaced by T.
Protein change: p.Glu255Ter; replaces glutamic acid 255 with a stop codon.
Molecular consequence: nonsense.
Genome position (GRCh38, 1-based): chr1:180,271,991, G>T. VCF-style: chr1-180271991-G-T. GRCh37 (hg19) VCF-style: chr1-180241126-G-T.
Other names: short protein forms E255*.
Identifiers: ClinVar variation 4623653 (VCV004623653.1).